The following is an entry in ClinVar:

NM_002641.4(PIGA):c.433A>G (p.Met145Val)

Gene: PIGA (phosphatidylinositol glycan anchor biosynthesis class A; minus strand). Cytogenetic location: Xp22.2.
Variant type: single nucleotide variant.
Coding change: c.433A>G on transcript NM_002641.4 (MANE Select); coding-DNA position 433, A replaced by G.
Protein change: p.Met145Val; replaces methionine 145 with valine.
Molecular consequence: missense variant. On other transcripts: intron variant (1).
Genome position (GRCh38, 1-based): chrX:15,331,498, T>C on the plus strand (A>G on the coding strand, the complement: PIGA is on the minus strand). VCF-style: chrX-15331498-T-C. GRCh37 (hg19) VCF-style: chrX-15349620-T-C.
Other names: c.13+4003A>G (NM_020473.3); short protein forms M145V.
Identifiers: ClinVar variation 1014910 (VCV001014910.9), dbSNP rs1922153772, ClinGen allele CA412339944.

ClinVar aggregate classification (germline): Uncertain significance (1 of 4 stars; one submission).

Conditions:
Multiple congenital anomalies-hypotonia-seizures syndrome 2 (MCAHS2). Also called: EPILEPTIC ENCEPHALOPATHY, EARLY INFANTILE, 20; GLYCOSYLPHOSPHATIDYLINOSITOL BIOSYNTHESIS DEFECT 4. Identifiers: Orphanet 300496, MedGen C3275508, MONDO:0010466, OMIM 300868.

Allele frequency attached by ClinVar (database versions not stated): gnomAD exomes below 0.00001.

Submission:

Labcorp Genetics (formerly Invitae), Labcorp
Classification: Uncertain significance for Multiple congenital anomalies-hypotonia-seizures syndrome 2. Last evaluated: 2023-09-15. Review status: criteria provided, single submitter. Criteria: Invitae Variant Classification Sherloc (09022015). Collection method: clinical testing. Allele origin: germline.
Comment: This variant has not been reported in the literature in individuals affected with PIGA-related conditions. ClinVar contains an entry for this variant (Variation ID: 1014910). Advanced modeling of protein sequence and biophysical properties (such as structural, functional, and spatial information, amino acid conservation, physicochemical variation, residue mobility, and thermodynamic stability) performed at Invitae indicates that this missense variant is expected to disrupt PIGA protein function. In summary, the available evidence is currently insufficient to determine the role of this variant in disease. Therefore, it has been classified as a Variant of Uncertain Significance. This variant is not present in population databases (gnomAD no frequency). This sequence change replaces methionine, which is neutral and non-polar, with valine, which is neutral and non-polar, at codon 145 of the PIGA protein (p.Met145Val).